The following is an entry in ClinVar:

ClinVar aggregate classification (germline): Likely benign (0 of 4 stars; one submission).

Conditions:
TNNI2-related disorder. Also called: TNNI2-related condition.

gnomAD v4.1: 23 of 1,612,884 alleles (0.0014%); highest among the groups gnomAD compares: African/African-American, 0.0027%; no homozygotes.

Submission:

PreventionGenetics, part of Exact Sciences
Classification: Likely benign for TNNI2-related condition. Last evaluated: 2024-07-16. Review status: no assertion criteria provided. Collection method: clinical testing. Allele origin: germline.
Comment: This variant is classified as likely benign based on ACMG/AMP sequence variant interpretation guidelines (Richards et al. 2015 PMID: 25741868, with internal and published modifications).

NM_003282.4(TNNI2):c.153G>A (p.Pro51=)

Gene: TNNI2 (troponin I2, fast skeletal type; plus strand). Cytogenetic location: 11p15.5.
Variant type: single nucleotide variant.
Coding change: c.153G>A on transcript NM_003282.4 (MANE Select); coding-DNA position 153, G replaced by A.
Protein change: p.Pro51=; no amino-acid change (proline 51 retained).
Molecular consequence: synonymous variant.
Genome position (GRCh38, 1-based): chr11:1,840,623, G>A. VCF-style: chr11-1840623-G-A. GRCh37 (hg19) VCF-style: chr11-1861853-G-A.
Other names: c.153G>A, p.Pro51= (NM_001145829.2, NM_001145841.2).
Identifiers: ClinVar variation 3354177 (VCV003354177.1).